The following is an entry in ClinVar:

ClinVar aggregate classification (germline): Conflicting classifications of pathogenicity. Review status: criteria provided, conflicting classifications (1 of 4 stars). 2 submissions from 2 submitters: Likely pathogenic (1); Uncertain significance (1). Last evaluated 2024-10-18.

Conditions:
Dilated cardiomyopathy 1G (CMD1G). Identifiers: Orphanet 154, MedGen C1858763, MONDO:0011400, OMIM 604145.
Autosomal recessive limb-girdle muscular dystrophy type 2J (LGMDR10). Also called: Limb-girdle muscular dystrophy, type 2J; MUSCULAR DYSTROPHY, LIMB-GIRDLE, AUTOSOMAL RECESSIVE 10. Identifiers: Orphanet 140922, MedGen C1837342, MONDO:0012127, OMIM 608807.

Submissions (2):

Labcorp Genetics (formerly Invitae), Labcorp
Classification: Likely pathogenic for Dilated cardiomyopathy 1G; Autosomal recessive limb-girdle muscular dystrophy type 2J. Last evaluated: 2024-10-18. Review status: criteria provided, single submitter. Criteria: Invitae Variant Classification Sherloc (09022015). Collection method: clinical testing. Allele origin: germline.
Comment: This sequence change creates a premature translational stop signal (p.Glu13526*) in the TTN gene. While this is not anticipated to result in nonsense mediated decay, it is expected to create a truncated TTN protein. This variant is not present in population databases (gnomAD no frequency). This premature translational stop signal has been observed in individual(s) with clinical features of congenital myopathy (internal data). ClinVar contains an entry for this variant (Variation ID: 597974). Algorithms developed to predict the effect of sequence changes on RNA splicing suggest that this variant may disrupt the consensus splice site. This variant is located in the I band of TTN (PMID: 25589632). Truncating variants in this region have been reported in individuals affected with autosomal recessive centronuclear myopathy (PMID: 23975875, internal data). Truncating variants in this region have also been identified in individuals affected with autosomal dominant dilated cardiomyopathy and/or cardio-related conditions (PMID: 27869827, 32964742, internal data). In summary, the currently available evidence indicates that the variant is pathogenic, but additional data are needed to prove that conclusively. Therefore, this variant has been classified as Likely Pathogenic.

Eurofins Ntd Llc (ga)
Classification: Uncertain significance. Last evaluated: 2018-07-12. Review status: criteria provided, single submitter. Criteria: EGL ClinVar v180209 classification definitions. Collection method: clinical testing. Allele origin: germline. Observed: 1 variant allele, 1 heterozygote.

Literature cited by the submitters: PubMed 25589632 (cited by Labcorp Genetics (formerly Invitae), Labcorp); PubMed 23975875 (cited by Labcorp Genetics (formerly Invitae), Labcorp); PubMed 27869827 (cited by Labcorp Genetics (formerly Invitae), Labcorp); PubMed 32964742 (cited by Labcorp Genetics (formerly Invitae), Labcorp).

NM_001267550.2(TTN):c.40576G>T (p.Glu13526Ter)

Gene: TTN (titin; minus strand). Cytogenetic location: 2q31.2.
Variant type: single nucleotide variant.
Coding change: c.40576G>T on transcript NM_001267550.2 (MANE Select); coding-DNA position 40576, G replaced by T.
Protein change: p.Glu13526Ter; replaces glutamic acid 13526 with a stop codon.
Molecular consequence: nonsense.
Genome position (GRCh38, 1-based): chr2:178,641,298, C>A on the plus strand (G>T on the coding strand, the complement: TTN is on the minus strand). VCF-style: chr2-178641298-C-A. GRCh37 (hg19) VCF-style: chr2-179506025-C-A.
Other names: c.35653G>T, p.Glu11885Ter (NM_001256850.1); c.13381G>T, p.Glu4461Ter (NM_003319.4); c.32872G>T, p.Glu10958Ter (NM_133378.4); c.13756G>T, p.Glu4586Ter (NM_133432.3); c.13957G>T, p.Glu4653Ter (NM_133437.4); short protein forms E10958*, E13526*, E4586*, E4653*, E11885*, E4461*.
Identifiers: ClinVar variation 597974 (VCV000597974.12), dbSNP rs1560026402, ClinGen allele CA349664414.
Genomic context (GRCh38, chr2:178,641,298, plus strand): 5'-TACCTGCAGGTTTTTTAACTTTTTCTAGTTTTTTAGGTTCTACTTTAGGTTCTTCTTCTT[C>A]AGGTCTTTTTCTTAGAACTTTAAAGACAAAAAGGTTTATATGTAAACCAAGACAAACTAA-3'